The following is an entry in ClinVar:

NM_018979.4(WNK1):c.6326C>T (p.Pro2109Leu)

Gene: WNK1 (WNK lysine deficient protein kinase 1; plus strand). Cytogenetic location: 12p13.33.
Variant type: single nucleotide variant.
Coding change: c.6326C>T on transcript NM_018979.4 (MANE Select); coding-DNA position 6326, C replaced by T.
Protein change: p.Pro2109Leu; replaces proline 2109 with leucine.
Molecular consequence: missense variant.
Genome position (GRCh38, 1-based): chr12:897,559, C>T. VCF-style: chr12-897559-C-T. GRCh37 (hg19) VCF-style: chr12-1006725-C-T.
Other names: c.7106C>T, p.Pro2369Leu (NM_001184985.2); c.5582C>T, p.Pro1861Leu (NM_014823.3); c.7082C>T, p.Pro2361Leu (NM_213655.5); short protein forms P2369L, P1861L, P2109L, P2361L.
Identifiers: ClinVar variation 2938702 (VCV002938702.3), dbSNP rs367854683, ClinGen allele CA6383387.
Genomic context (GRCh38, chr12:897,559, plus strand): 5'-ACCTGCAGAGTCGCCAGAAGCATGAAATTGAATCTTTGTATACCAAACTGGGCAAGGTGC[C>T]CCCTGCTGTTATTATTCCCCCAGCTGCTCCCCTTTCAGGGAGAAGACGACGACCCACTAA-3'
Protein context (NP_061852.3, residues 2099-2119): ESLYTKLGKV[Pro2109Leu]PAVIIPPAAP

ClinVar aggregate classification (germline): Uncertain significance (1 of 4 stars; one submission).

Conditions:
Neuropathy, hereditary sensory and autonomic, type 2A (HSAN2A). Also called: ACROOSTEOLYSIS, GIACCAI TYPE; ACROOSTEOLYSIS, NEUROGENIC; MORVAN DISEASE; NEUROPATHY, CONGENITAL SENSORY; NEUROPATHY, HEREDITARY SENSORY RADICULAR, AUTOSOMAL RECESSIVE; NEUROPATHY, HEREDITARY SENSORY, TYPE IIA. Identifiers: Orphanet 970, MedGen C2752089, MONDO:0024309, OMIM 201300.
Pseudohypoaldosteronism type 2C (PHA2C). Also called: Pseudohypoaldosteronism Type IIC. Identifiers: Orphanet 757, Orphanet 88940, MedGen C1840391, MONDO:0013778, OMIM 614492.

Allele frequency attached by ClinVar (database versions not stated): gnomAD exomes below 0.00001; ExAC 0.00001; gnomAD 0.00001; TOPMed 0.00001; ESP Exome Variant Server 0.00008.

Submission:

Labcorp Genetics (formerly Invitae), Labcorp
Classification: Uncertain significance for Neuropathy, hereditary sensory and autonomic, type 2A; Pseudohypoaldosteronism type 2C. Last evaluated: 2024-05-21. Review status: criteria provided, single submitter. Criteria: Invitae Variant Classification Sherloc (09022015). Collection method: clinical testing. Allele origin: germline.
Comment: This sequence change replaces proline, which is neutral and non-polar, with leucine, which is neutral and non-polar, at codon 2361 of the WNK1 protein (p.Pro2361Leu). This variant is present in population databases (rs367854683, gnomAD 0.007%). This variant has not been reported in the literature in individuals affected with WNK1-related conditions. Advanced modeling of protein sequence and biophysical properties (such as structural, functional, and spatial information, amino acid conservation, physicochemical variation, residue mobility, and thermodynamic stability) performed at Invitae indicates that this missense variant is not expected to disrupt WNK1 protein function with a negative predictive value of 95%. In summary, the available evidence is currently insufficient to determine the role of this variant in disease. Therefore, it has been classified as a Variant of Uncertain Significance.